The following is an entry in ClinVar:

NM_005530.3(IDH3A):c.185A>T (p.Gln62Leu)

Gene: IDH3A (isocitrate dehydrogenase (NAD(+)) 3 catalytic subunit alpha; plus strand). Cytogenetic location: 15q25.1.
Variant type: single nucleotide variant.
Coding change: c.185A>T on transcript NM_005530.3 (MANE Select); coding-DNA position 185, A replaced by T.
Protein change: p.Gln62Leu; replaces glutamine 62 with leucine.
Molecular consequence: missense variant.
Genome position (GRCh38, 1-based): chr15:78,160,102, A>T. VCF-style: chr15-78160102-A-T. GRCh37 (hg19) VCF-style: chr15-78452444-A-T.
Other names: short protein forms Q62L.
Identifiers: ClinVar variation 1046578 (VCV001046578.8), dbSNP rs140354372, ClinGen allele CA7680511.

ClinVar aggregate classification (germline): Uncertain significance (1 of 4 stars; one submission).

Allele frequency attached by ClinVar (database versions not stated): gnomAD exomes 0.00001 and 0.00003; ExAC 0.00003; gnomAD 0.00009; TOPMed 0.00010; 1000 Genomes Project 30x 0.00016; 1000 Genomes Project 0.00020; ESP Exome Variant Server 0.00023.
gnomAD v4.1: 26 of 1,606,332 alleles (0.0016%); highest among the groups gnomAD compares: African/African-American, 0.033%; no homozygotes.

Submission:

Labcorp Genetics (formerly Invitae), Labcorp
Classification: Uncertain significance. Last evaluated: 2026-01-05. Review status: criteria provided, single submitter. Criteria: Invitae Variant Classification Sherloc (09022015). Collection method: clinical testing. Allele origin: germline.
Comment: This sequence change replaces glutamine, which is neutral and polar, with leucine, which is neutral and non-polar, at codon 62 of the IDH3A protein (p.Gln62Leu). This variant is present in population databases (rs140354372, gnomAD 0.03%). This variant has not been reported in the literature in individuals affected with IDH3A-related conditions. ClinVar contains an entry for this variant (Variation ID: 1046578). Invitae Evidence Modeling of protein sequence and biophysical properties (such as structural, functional, and spatial information, amino acid conservation, physicochemical variation, residue mobility, and thermodynamic stability) indicates that this missense variant is not expected to disrupt IDH3A protein function with a negative predictive value of 80%. In summary, the available evidence is currently insufficient to determine the role of this variant in disease. Therefore, it has been classified as a Variant of Uncertain Significance.